The following is an entry in ClinVar:

NM_018116.4(MSTO1):c.875C>T (p.Ala292Val)

Gene: MSTO1 (misato mitochondrial distribution and morphology regulator 1; plus strand). Cytogenetic location: 1q22.
Variant type: single nucleotide variant.
Coding change: c.875C>T on transcript NM_018116.4 (MANE Select); coding-DNA position 875, C replaced by T.
Protein change: p.Ala292Val; replaces alanine 292 with valine.
Molecular consequence: missense variant. On other transcripts: non-coding transcript variant (6).
Genome position (GRCh38, 1-based): chr1:155,612,479, C>T. VCF-style: chr1-155612479-C-T. GRCh37 (hg19) VCF-style: chr1-155582270-C-T.
Other names: c.875C>T, p.Ala292Val (NM_001256532.1, NM_001256533.1, NM_001350772.1 and 3 more transcripts); c.710C>T, p.Ala237Val (NM_001350776.1); c.344C>T, p.Ala115Val (NM_001350777.1, NM_001350778.1, NM_001350779.1); c.341C>T, p.Ala114Val (NM_001350780.1, NM_001350781.1, NM_001350782.1 and 3 more transcripts); c.332C>T, p.Ala111Val (NM_001350784.1, NM_001350785.1, NM_001350787.1 and 1 more transcripts); short protein forms A115V, A114V, A237V, A111V, A292V.
Identifiers: ClinVar variation 2177151 (VCV002177151.2), dbSNP rs369915310, ClinGen allele CA1148050.
Genomic context (GRCh38, chr1:155,612,479, plus strand): 5'-AGGCCCAGAGAAACATCTATCGTCTATTAAACACAGCTTTTGGTCTCGTGCACCTGACTG[C>T]TCACAGCTCTCTTGTCTGCCCCTTGTCCTTGGGTGGGAGCCTGGGCCTGCGACCCGAGCC-3'
Protein context (NP_060586.2, residues 282-302): NTAFGLVHLT[Ala292Val]HSSLVCPLSL

ClinVar aggregate classification (germline): Uncertain significance (1 of 4 stars; one submission).

Allele frequency attached by ClinVar (database versions not stated): gnomAD 0.00005; gnomAD exomes 0.00005; TOPMed 0.00005; ExAC 0.00007; ESP Exome Variant Server 0.00008.
gnomAD v4.1: 86 of 1,613,976 alleles (0.0053%); highest among the groups gnomAD compares: Admixed American, 0.0033%; 1 homozygote.

Submission:

Labcorp Genetics (formerly Invitae), Labcorp
Classification: Uncertain significance. Last evaluated: 2025-10-06. Review status: criteria provided, single submitter. Criteria: Invitae Variant Classification Sherloc (09022015). Collection method: clinical testing. Allele origin: germline.
Comment: This sequence change replaces alanine, which is neutral and non-polar, with valine, which is neutral and non-polar, at codon 292 of the MSTO1 protein (p.Ala292Val). The frequency data for this variant in the population databases is considered unreliable, as metrics indicate poor data quality at this position in the gnomAD database. This variant has not been reported in the literature in individuals affected with MSTO1-related conditions. ClinVar contains an entry for this variant (Variation ID: 2177151). Invitae Evidence Modeling of protein sequence and biophysical properties (such as structural, functional, and spatial information, amino acid conservation, physicochemical variation, residue mobility, and thermodynamic stability) indicates that this missense variant is not expected to disrupt MSTO1 protein function with a negative predictive value of 95%. In summary, the available evidence is currently insufficient to determine the role of this variant in disease. Therefore, it has been classified as a Variant of Uncertain Significance.